The following is an entry in ClinVar:

ClinVar aggregate classification (germline): Pathogenic/Likely pathogenic. Review status: criteria provided, multiple submitters, no conflicts (2 of 4 stars). 2 submissions from 2 submitters: Pathogenic (1); Likely pathogenic (1). Last evaluated 2025-06-10.

Conditions:
Nemaline myopathy 2 (NEM2). Also called: Nemaline myopathy 2, autosomal recessive. Identifiers: MedGen C1850569, MONDO:0009725, OMIM 256030.
Arthrogryposis multiplex congenita 6. Identifiers: MedGen C5543431, MONDO:0030281, OMIM 619334.

Submissions (2):

Myriad Genetics, Inc.
Classification: Pathogenic for Nemaline myopathy 2. Last evaluated: 2025-06-10. Review status: criteria provided, single submitter. Criteria: Myriad Autosomal Dominant, Autosomal Recessive and X-Linked Classification Criteria (2023). Collection method: clinical testing. Allele origin: unknown.
Comment: NM_001271208.1(NEB):c.5944C>T(Q1982*) is expected to be pathogenic in the context of NEB-related nemaline myopathy. This variant is predicted to lead to an abnormal or absent protein product due to the creation of a premature termination codon in NEB, a gene where loss-of-function variants are known to be pathogenic. Please note: this variant was assessed in the context of healthy population screening.

Juno Genomics, Hangzhou Juno Genomics, Inc
Classification: Likely pathogenic for Nemaline myopathy 2; Arthrogryposis multiplex congenita 6. Review status: criteria provided, single submitter. Criteria: ACMG Guidelines, 2015. Collection method: clinical testing. Allele origin: germline.
Comment: Absent from controls (or at extremely low frequency if recessive) in Genome Aggregation Database.;Null variant in a gene where loss of function (LOF) is a known mechanism of disease.

NM_001164508.2(NEB):c.5944C>T (p.Gln1982Ter)

Gene: NEB (nebulin; minus strand). Cytogenetic location: 2q23.3.
Variant type: single nucleotide variant.
Coding change: c.5944C>T on transcript NM_001164508.2 (MANE Select); coding-DNA position 5944, C replaced by T.
Protein change: p.Gln1982Ter; replaces glutamine 1982 with a stop codon.
Molecular consequence: nonsense.
Genome position (GRCh38, 1-based): chr2:151,662,161, G>A on the plus strand (C>T on the coding strand, the complement: NEB is on the minus strand). VCF-style: chr2-151662161-G-A. GRCh37 (hg19) VCF-style: chr2-152518675-G-A.
Other names: c.5944C>T, p.Gln1982Ter (NM_001164507.2, NM_001271208.2, NM_004543.5); short protein forms Q1982*.
Identifiers: ClinVar variation 5014573 (VCV005014573.3).
Genomic context (GRCh38, chr2:151,662,161, plus strand): 5'-TGCATATGAAACACTGCATTATTGAAAGACTTACTTCGTTCATAATTTTTGCATTATTCT[G>A]GGCCAAAACCATGTTCATCGAGTCCATGAGTGTGGAATACTTCAAAGTGTCTGGGTGCTG-3'